The following is an entry in ClinVar:

NM_025137.4(SPG11):c.1726T>G (p.Tyr576Asp)

Gene: SPG11 (SPG11 vesicle trafficking associated, spatacsin; minus strand). Cytogenetic location: 15q21.1.
Variant type: single nucleotide variant.
Coding change: c.1726T>G on transcript NM_025137.4 (MANE Select); coding-DNA position 1726, T replaced by G.
Protein change: p.Tyr576Asp; replaces tyrosine 576 with aspartic acid.
Molecular consequence: missense variant.
Genome position (GRCh38, 1-based): chr15:44,633,514, A>C on the plus strand (T>G on the coding strand, the complement: SPG11 is on the minus strand). VCF-style: chr15-44633514-A-C. GRCh37 (hg19) VCF-style: chr15-44925712-A-C.
Other names: c.1726T>G, p.Tyr576Asp (NM_001160227.2); short protein forms Y576D.
Identifiers: ClinVar variation 953643 (VCV000953643.1), dbSNP rs185829887, ClinGen allele CA392235182.
Genomic context (GRCh38, chr15:44,633,514, plus strand): 5'-TTAAGAAGATCAAATGATAAATACAAATGTAGAAATCTTTATTCCACTTACTTCTTAAAT[A>C]TAAATGGGATGACAAGTGATCAAACTGATCAGATACAGAAGATTTTGAGGATGGATTAAA-3'
Protein context (NP_079413.3, residues 566-586): DQFDHLSSHL[Tyr576Asp]LRNVEELIPA

ClinVar aggregate classification (germline): Uncertain significance (1 of 4 stars; one submission).

Conditions:
Hereditary spastic paraplegia 11. Also called: SPASTIC PARAPLEGIA, AUTOSOMAL RECESSIVE, COMPLICATED, WITH THIN CORPUS CALLOSUM; SPASTIC PARAPLEGIA, AUTOSOMAL RECESSIVE, WITH MENTAL IMPAIRMENT AND THIN CORPUS CALLOSUM; Spastic Paraplegia 11; Nakamura Osame syndrome; Autosomal recessive hereditary spastic paraplegia, mental impairment, and thin corpus callosum; Spastic paraplegia, mental retardation and thin corpus callosum. Identifiers: Orphanet 2822, MedGen C1858479, MONDO:0011445, OMIM 604360.

Submission:

Labcorp Genetics (formerly Invitae), Labcorp
Classification: Uncertain significance for Spastic paraplegia 11, autosomal recessive. Last evaluated: 2019-07-18. Review status: criteria provided, single submitter. Criteria: Invitae Variant Classification Sherloc (09022015). Collection method: clinical testing. Allele origin: germline.
Comment: This sequence change replaces tyrosine with aspartic acid at codon 576 of the SPG11 protein (p.Tyr576Asp). The tyrosine residue is moderately conserved and there is a large physicochemical difference between tyrosine and aspartic acid. This variant is not present in population databases (ExAC no frequency). This variant has not been reported in the literature in individuals with SPG11-related conditions. Algorithms developed to predict the effect of missense changes on protein structure and function are either unavailable or do not agree on the potential impact of this missense change (SIFT: "Deleterious"; PolyPhen-2: "Probably Damaging"; Align-GVGD: "Class C0"). Algorithms developed to predict the effect of sequence changes on RNA splicing suggest that this variant may create or strengthen a splice site, but this prediction has not been confirmed by published transcriptional studies. In summary, the available evidence is currently insufficient to determine the role of this variant in disease. Therefore, it has been classified as a Variant of Uncertain Significance.